The following is an entry in ClinVar:

NM_000059.4(BRCA2):c.4554_4563delinsCCTACTCTG (p.Glu1518fs)

Gene: BRCA2 (BRCA2 DNA repair associated; plus strand). Cytogenetic location: 13q13.1.
Variant type: Indel.
Coding change: c.4554_4563delinsCCTACTCTG on transcript NM_000059.4 (MANE Select); coding-DNA positions 4554 to 4563, ACCTACTCTA replaced by CCTACTCTG.
Protein change: p.Glu1518fs; shifts the reading frame from glutamic acid 1518.
Molecular consequence: frameshift variant. On other transcripts: non-coding transcript variant (1), intron variant (2).
Genome position (GRCh38, 1-based): chr13:32,338,909-32,338,918, ACCTACTCTA replaced by CCTACTCTG. VCF-style: chr13-32338909-ACCTACTCTA-CCTACTCTG. GRCh37 (hg19) VCF-style: chr13-32913046-ACCTACTCTA-CCTACTCTG.
Other names: c.4554_4563delACCTACTCTAinsCCTACTCTG, p.Glu1518Aspfs (NM_000059.3); c.4554_4563delinsCCTACTCTG, p.Glu1518fs (NM_001406719.1, NM_001406720.1); c.1909+5522_1909+5531delinsCCTACTCTG (NM_001406721.1); c.425-5649_425-5640delinsCCTACTCTG (NM_001406722.1); short protein forms E1518fs.
Identifiers: ClinVar variation 3055064 (VCV003055064.2), dbSNP rs2548528667, ClinGen allele CA2740097655.

ClinVar aggregate classification (germline): Likely pathogenic (0 of 4 stars; one submission).

Conditions:
BRCA2-related disorder. Also called: BRCA2-related condition; BRCA2-related disorders. Identifiers: MedGen CN239275.

Submission:

PreventionGenetics, part of Exact Sciences
Classification: Likely pathogenic for BRCA2-related condition. Last evaluated: 2023-11-01. Review status: no assertion criteria provided. Collection method: clinical testing. Allele origin: germline.
Comment: The BRCA2 c.4554_4563delinsCCTACTCTG variant is predicted to result in a frameshift and premature protein termination (p.Glu1518Aspfs*25). To our knowledge, this variant has not been reported in the literature or in a large population database, indicating this variant is rare. Frameshift variants in BRCA2 are expected to be pathogenic. This variant is interpreted as likely pathogenic.